The following is an entry in ClinVar:

NM_007294.4(BRCA1):c.2278A>G (p.Thr760Ala)

Gene: BRCA1 (BRCA1 DNA repair associated; minus strand). Cytogenetic location: 17q21.31.
Variant type: single nucleotide variant.
Coding change: c.2278A>G on transcript NM_007294.4 (MANE Select); coding-DNA position 2278, A replaced by G.
Protein change: p.Thr760Ala; replaces threonine 760 with alanine.
Molecular consequence: missense variant. On other transcripts: intron variant (137).
Genome position (GRCh38, 1-based): chr17:43,093,253, T>C on the plus strand (A>G on the coding strand, the complement: BRCA1 is on the minus strand). VCF-style: chr17-43093253-T-C. GRCh37 (hg19) VCF-style: chr17-41245270-T-C.
Other names: c.461-2221A>G (NM_001408507.1, NM_001408506.1); c.545-2221A>G (NM_001408495.1); c.661+1491A>G (NM_001408448.1, NM_001408446.1, NM_001408435.1 and 6 more transcripts); c.784+1491A>G (NM_001407991.1, NM_001408397.1, NM_001408401.1 and 13 more transcripts); c.646+1491A>G (NM_001408460.1, NM_001408454.1, NM_001408458.1 and 11 more transcripts); c.586+1491A>G (NM_001408476.1, NM_001408474.1); c.709+1491A>G (NM_001408409.1, NM_001408412.1, NM_001408414.1 and 2 more transcripts); c.664+1491A>G (NM_001408427.1, NM_001408436.1, NM_001408444.1 and 12 more transcripts); and 41 more; short protein forms T464A, T648A, T689A, T692A, T712A, T719A, T734A, T760A.
Identifiers: ClinVar variation 1788885 (VCV001788885.5), dbSNP rs2154385821, ClinGen allele CA10597442.

ClinVar aggregate classification (germline): Conflicting classifications of pathogenicity. Review status: criteria provided, conflicting classifications (1 of 4 stars). 3 submissions from 3 submitters: Uncertain significance (2); Likely benign (1). Last evaluated 2025-04-02.

Conditions:
Hereditary cancer-predisposing syndrome. Also called: Hereditary Cancer Syndrome; Hereditary neoplastic syndrome; Tumor predisposition; Neoplastic Syndromes, Hereditary. Identifiers: Orphanet 140162, MedGen C0027672, MeSH D009386, MONDO:0015356.

Allele frequency attached by ClinVar (database versions not stated): gnomAD exomes below 0.00001.
gnomAD v4.1: 1 of 1,614,102 alleles (0.000062%); highest among the groups gnomAD compares: Non-Finnish European, 0.000085%; no homozygotes.

Submissions (3):

GeneDx
Classification: Uncertain significance. Last evaluated: 2025-04-02. Review status: criteria provided, single submitter. Criteria: GeneDx Variant Classification Process June 2021. Collection method: clinical testing. Allele origin: germline. Affected: yes.
Comment: Not observed at significant frequency in large population cohorts (gnomAD); In silico analysis supports that this missense variant has a deleterious effect on protein structure/function; Has not been previously published as pathogenic or benign to our knowledge; Also known as 2397A>G; This variant is associated with the following publications: (PMID: 10792030, 9774970, 15343273)

University of Washington Department of Laboratory Medicine, University of Washington
Classification: Likely benign for Hereditary cancer-predisposing syndrome. Last evaluated: 2023-03-23. Review status: criteria provided, single submitter. Criteria: Dines et al. (Genet Med. 2020). Collection method: curation. Allele origin: germline.
Comment: Missense variant in a coldspot region where missense variants are very unlikely to be pathogenic (PMID:31911673).

BRCA1 coldspot (exon 11 using historical exon numbering). Reclassification based on statistical prior probability

Ambry Genetics
Classification: Uncertain significance for Hereditary cancer-predisposing syndrome. Last evaluated: 2022-02-03. Review status: criteria provided, single submitter. Criteria: Ambry Variant Classification Scheme 2023. Collection method: clinical testing. Allele origin: germline.
Comment: The p.T760A variant (also known as c.2278A>G), located in coding exon 9 of the BRCA1 gene, results from an A to G substitution at nucleotide position 2278. The threonine at codon 760 is replaced by alanine, an amino acid with similar properties. This amino acid position is conserved. In addition, this alteration is predicted to be tolerated by in silico analysis. Since supporting evidence is limited at this time, the clinical significance of this alteration remains unclear.